The following is an entry in ClinVar:

NM_173483.4(CYP4F22):c.*191G>T

Gene: CYP4F22 (cytochrome P450 family 4 subfamily F member 22; plus strand). Cytogenetic location: 19p13.12.
Variant type: single nucleotide variant.
Coding change: c.*191G>T on transcript NM_173483.4 (MANE Select); 191 bases downstream of the stop codon, G replaced by T.
Molecular consequence: 3 prime UTR variant.
Genome position (GRCh38, 1-based): chr19:15,551,662, G>T. VCF-style: chr19-15551662-G-T. GRCh37 (hg19) VCF-style: chr19-15662473-G-T.
Identifiers: ClinVar variation 328453 (VCV000328453.6), dbSNP rs150837991, ClinGen allele CA10651591.

ClinVar aggregate classification (germline): Likely benign. Review status: criteria provided, multiple submitters, no conflicts (2 of 4 stars). 2 submissions from 2 submitters: Likely benign (2). Last evaluated 2018-01-12.

Conditions:
Autosomal recessive congenital ichthyosis 5 (ARCI5). Also called: Ichthyosis, nonlamellar and nonerythrodermic, congenital, autosomal recessive; ICHTHYOSIS CONGENITA III. Identifiers: Orphanet 313, MedGen C1858133, MONDO:0011485, OMIM 604777.

Allele frequency attached by ClinVar (database versions not stated): TOPMed 0.00183; gnomAD 0.00169; 1000 Genomes Project 0.00379; 1000 Genomes Project 30x 0.00437.
gnomAD v4.1: 381 of 700,690 alleles (0.054%); highest among the groups gnomAD compares: African/African-American, 0.56%; 1 homozygote.

Submissions (2):

Illumina Laboratory Services, Illumina
Classification: Likely benign for Autosomal recessive congenital ichthyosis 5. Last evaluated: 2018-01-12. Review status: criteria provided, single submitter. Criteria: ICSL Variant Classification Criteria 13 December 2019. Collection method: clinical testing. Allele origin: germline.
Comment: This variant was observed in the ICSL laboratory as part of a predisposition screen in an ostensibly healthy population. It had not been previously curated by ICSL or reported in the Human Gene Mutation Database (HGMD: prior to June 1st, 2018), and was therefore a candidate for classification through an automated scoring system. Utilizing variant allele frequency, disease prevalence and penetrance estimates, and inheritance mode, an automated score was calculated to assess if this variant is too frequent to cause the disease. Based on the score and internal cut-off values, a variant classified as likely benign is not then subjected to further curation. The score for this variant resulted in a classification of likely benign for this disease.

Breakthrough Genomics
Classification: Likely benign. Review status: criteria provided, single submitter. Criteria: ACMG Guidelines, 2015. Collection method: not provided. Allele origin: germline. Inheritance: Autosomal recessive inheritance. Affected: yes.